The following is an entry in ClinVar:

NM_006421.5(ARFGEF1):c.5486G>A (p.Arg1829Gln)

Gene: ARFGEF1 (ARF guanine nucleotide exchange factor 1; minus strand). Cytogenetic location: 8q13.2.
Variant type: single nucleotide variant.
Coding change: c.5486G>A on transcript NM_006421.5 (MANE Select); coding-DNA position 5486, G replaced by A.
Protein change: p.Arg1829Gln; replaces arginine 1829 with glutamine.
Molecular consequence: missense variant. On other transcripts: non-coding transcript variant (1), intron variant (2).
Genome position (GRCh38, 1-based): chr8:67,198,998, C>T on the plus strand (G>A on the coding strand, the complement: ARFGEF1 is on the minus strand). VCF-style: chr8-67198998-C-T. GRCh37 (hg19) VCF-style: chr8-68111233-C-T.
Other names: c.5486G>A, p.Arg1829Gln (NM_001413184.1); c.5468G>A, p.Arg1823Gln (NM_001413185.1, NM_001413189.1); c.4886G>A, p.Arg1629Gln (NM_001413188.1, NM_001413197.1); c.5480G>A, p.Arg1827Gln (NM_001413190.1); c.5390G>A, p.Arg1797Gln (NM_001413191.1); c.5372G>A, p.Arg1791Gln (NM_001413192.1); c.4061G>A, p.Arg1354Gln (NM_001413196.1); c.5367+1398G>A (NM_001413186.1); and 1 more; short protein forms R1354Q, R1629Q, R1791Q, R1797Q, R1823Q, R1827Q, R1829Q.
Identifiers: ClinVar variation 2629614 (VCV002629614.1), dbSNP rs1838212294, ClinGen allele CA371206072.

ClinVar aggregate classification (germline): Uncertain significance (1 of 4 stars; one submission).

Conditions:
ARFGEF1-related disorder. Also called: ARFGEF1-related condition.

Allele frequency attached by ClinVar (database versions not stated): gnomAD exomes below 0.00001.
gnomAD v4.1: 1 of 1,612,388 alleles (0.000062%); highest among the groups gnomAD compares: Non-Finnish European, 0.000085%; no homozygotes.

Submission:

PreventionGenetics, part of Exact Sciences
Classification: Uncertain significance for ARFGEF1-related condition. Last evaluated: 2023-01-31. Review status: criteria provided, single submitter. Criteria: ACMG Guidelines, 2015. Collection method: clinical testing. Allele origin: germline.
Comment: The ARFGEF1 c.5486G>A variant is predicted to result in the amino acid substitution p.Arg1829Gln. To our knowledge, this variant has not been reported in the literature or in a large population database, indicating this variant is rare. At this time, the clinical significance of this variant is uncertain due to the absence of conclusive functional and genetic evidence.